The following is an entry in ClinVar:

NM_003238.6(TGFB2):c.1000T>C (p.Trp334Arg)

Gene: TGFB2 (transforming growth factor beta 2; plus strand). Cytogenetic location: 1q41.
Variant type: single nucleotide variant.
Coding change: c.1000T>C on transcript NM_003238.6 (MANE Select); coding-DNA position 1000, T replaced by C.
Protein change: p.Trp334Arg; replaces tryptophan 334 with arginine.
Molecular consequence: missense variant. On other transcripts: non-coding transcript variant (2).
Genome position (GRCh38, 1-based): chr1:218,437,410, T>C. VCF-style: chr1-218437410-T-C. GRCh37 (hg19) VCF-style: chr1-218610752-T-C.
Other names: c.1084T>C, p.Trp362Arg (NM_001135599.4); short protein forms W362R, W334R.
Identifiers: ClinVar variation 3653475 (VCV003653475.2).
Genomic context (GRCh38, chr1:218,437,410, plus strand): 5'-CAGGATAATTGCTGCCTACGTCCACTTTACATTGATTTCAAGAGGGATCTAGGGTGGAAA[T>C]GGATACACGAACCCAAAGGGTACAATGCCAACTTCTGTGCTGGAGCATGCCCGTATTTAT-3'
Protein context (NP_003229.1, residues 324-344): IDFKRDLGWK[Trp334Arg]IHEPKGYNAN

ClinVar aggregate classification (germline): Uncertain significance (1 of 4 stars; one submission).

Conditions:
Loeys-Dietz syndrome 4 (LDS4). Also called: TGFB2-Related Loeys-Dietz Syndrome; ANEURYSM, AORTIC AND CEREBRAL, WITH ARTERIAL TORTUOSITY AND SKELETAL MANIFESTATIONS. Identifiers: MedGen C3553762, MONDO:0013897, OMIM 614816.

Submission:

Labcorp Genetics (formerly Invitae), Labcorp
Classification: Uncertain significance for Loeys-Dietz syndrome 4. Last evaluated: 2024-05-15. Review status: criteria provided, single submitter. Criteria: Invitae Variant Classification Sherloc (09022015). Collection method: clinical testing. Allele origin: germline.
Comment: This sequence change replaces tryptophan, which is neutral and slightly polar, with arginine, which is basic and polar, at codon 334 of the TGFB2 protein (p.Trp334Arg). This variant is not present in population databases (gnomAD no frequency). This variant has not been reported in the literature in individuals affected with TGFB2-related conditions. Advanced modeling of protein sequence and biophysical properties (such as structural, functional, and spatial information, amino acid conservation, physicochemical variation, residue mobility, and thermodynamic stability) performed at Invitae indicates that this missense variant is expected to disrupt TGFB2 protein function with a positive predictive value of 80%. In summary, the available evidence is currently insufficient to determine the role of this variant in disease. Therefore, it has been classified as a Variant of Uncertain Significance.